The following is an entry in ClinVar:

ClinVar aggregate classification (germline): Uncertain significance (1 of 4 stars; one submission).

Submission:

GeneDx
Classification: Uncertain significance. Last evaluated: 2025-03-11. Review status: criteria provided, single submitter. Criteria: GeneDx Variant Classification Process June 2021. Collection method: clinical testing. Allele origin: germline. Affected: yes.
Comment: Frameshift variant predicted to result in protein truncation or nonsense mediated decay in a gene or region of a gene for which loss of function is not a well-established mechanism of disease; Not observed at significant frequency in large population cohorts (gnomAD); Has not been previously published as pathogenic or benign to our knowledge; Variants in candidate genes are classified as variants of uncertain significance in accordance with ACMG guidelines (PMID: 25741868)

NM_012401.4(PLXNB2):c.2078_2088del (p.Asp693fs)

Gene: PLXNB2 (plexin B2; minus strand). Cytogenetic location: 22q13.33.
Variant type: Deletion.
Coding change: c.2078_2088del on transcript NM_012401.4 (MANE Select); coding-DNA positions 2078 to 2088, 11 bases deleted (ACACCGTGAAG).
Protein change: p.Asp693fs; shifts the reading frame from aspartic acid 693.
Molecular consequence: frameshift variant.
Genome position (GRCh38, 1-based): chr22:50,285,800-50,285,810, CTTCACGGTGT deleted on the plus strand (ACACCGTGAAG on the coding strand, the reverse complement: PLXNB2 is on the minus strand); deleting any 11 consecutive bases within chr22:50,285,800-50,285,811 gives the same sequence; the c. name uses the placement nearest the transcript's 3' end. VCF-style (leftmost placement, unchanged base first): chr22-50285799-CCTTCACGGTGT-C. GRCh37 (hg19) VCF-style: chr22-50724228-CCTTCACGGTGT-C.
Other names: c.2078_2088del, p.Asp693fs (NM_001376868.1, NM_001376869.1, NM_001376870.1 and 20 more transcripts); short protein forms D693fs.
Identifiers: ClinVar variation 4278644 (VCV004278644.1).